The following is an entry in ClinVar:

ClinVar aggregate classification (germline): Likely benign. Review status: criteria provided, multiple submitters, no conflicts (2 of 4 stars). 5 submissions from 5 submitters: Likely benign (5). Last evaluated 2026-01-01.

Conditions:
Cardiovascular phenotype. Identifiers: MedGen CN230736.
Long QT syndrome (LQTS). Identifiers: MedGen C0023976, MeSH D008133, MONDO:0002442. Disease mechanism: loss of function. Inheritance: Various modes of inheritance.

Allele frequency attached by ClinVar (database versions not stated): TOPMed 0.00001; gnomAD 0.00002 and 0.00003; gnomAD exomes 0.00006 and 0.00010; ExAC 0.00012; 1000 Genomes Project 30x 0.00016.
gnomAD v4.1: 89 of 1,613,696 alleles (0.0055%); highest among the groups gnomAD compares: South Asian, 0.056%; 1 homozygote.

Submissions (5):

CeGaT Center for Human Genetics Tuebingen
Classification: Likely benign. Last evaluated: 2026-01-01. Review status: criteria provided, single submitter. Criteria: CeGaT Center For Human Genetics Tuebingen Variant Classification Criteria Version 2. Collection method: clinical testing. Allele origin: germline. Affected: yes. Observed: 1 variant allele.
Comment: ANK2: BP4, BP7

Blueprint Genetics
Classification: Likely benign. Last evaluated: 2024-08-26. Review status: criteria provided, single submitter. Criteria: ACMG Guidelines, 2015. Collection method: clinical testing. Allele origin: germline.

Labcorp Genetics (formerly Invitae), Labcorp
Classification: Likely benign for Long QT syndrome. Last evaluated: 2024-06-12. Review status: criteria provided, single submitter. Criteria: Invitae Variant Classification Sherloc (09022015). Collection method: clinical testing. Allele origin: germline.

Ambry Genetics
Classification: Likely benign for Cardiovascular phenotype. Last evaluated: 2020-10-06. Review status: criteria provided, single submitter. Criteria: Ambry Variant Classification Scheme 2023. Collection method: clinical testing. Allele origin: germline.

GeneDx
Classification: Likely benign. Last evaluated: 2018-04-02. Review status: criteria provided, single submitter. Criteria: GeneDx Variant Classification (06012015). Collection method: clinical testing. Allele origin: germline. Affected: yes.
Comment: This variant is considered likely benign or benign based on one or more of the following criteria: it is a conservative change, it occurs at a poorly conserved position in the protein, it is predicted to be benign by multiple in silico algorithms, and/or has population frequency not consistent with disease.

NM_001148.6(ANK2):c.2430C>T (p.Val810=)

Gene: ANK2 (ankyrin 2; plus strand). Cytogenetic location: 4q26.
Variant type: single nucleotide variant.
Coding change: c.2430C>T on transcript NM_001148.6 (MANE Select); coding-DNA position 2430, C replaced by T.
Protein change: p.Val810=; no amino-acid change (valine 810 retained).
Molecular consequence: synonymous variant.
Genome position (GRCh38, 1-based): chr4:113,293,493, C>T. VCF-style: chr4-113293493-C-T. GRCh37 (hg19) VCF-style: chr4-114214649-C-T.
Other names: c.2367C>T, p.Val789= (NM_001127493.3, NM_001354239.2, NM_001354243.2 and 10 more transcripts); c.2430C>T, p.Val810= (NM_001354225.2, NM_001354228.2, NM_001354232.2 and 6 more transcripts); c.2475C>T, p.Val825= (NM_001354230.2, NM_001354231.2, NM_001354237.2 and 5 more transcripts); c.2331C>T, p.Val777= (NM_001354245.2, NM_001354268.2); c.2343C>T, p.Val781= (NM_001354249.2, NM_001354264.2, NM_001354266.2 and 10 more transcripts); c.2268C>T, p.Val756= (NM_001354253.2, NM_001354257.2, NM_001354270.2 and 1 more transcripts); c.2244C>T, p.Val748= (NM_001354260.2, NM_001354271.2, NM_001386151.1); c.2388C>T, p.Val796= (NM_001354261.2, NM_001386147.1, NM_001386160.1); and 9 more.
Identifiers: ClinVar variation 681474 (VCV000681474.15), dbSNP rs766919590, ClinGen allele CA3050568.